The following is an entry in ClinVar:

NM_032578.4(MYPN):c.1935C>T (p.Pro645=)

Gene: MYPN (myopalladin; plus strand). Cytogenetic location: 10q21.3.
Variant type: single nucleotide variant.
Coding change: c.1935C>T on transcript NM_032578.4 (MANE Select); coding-DNA position 1935, C replaced by T.
Protein change: p.Pro645=; no amino-acid change (proline 645 retained).
Molecular consequence: synonymous variant. On other transcripts: non-coding transcript variant (2).
Genome position (GRCh38, 1-based): chr10:68,166,628, C>T. VCF-style: chr10-68166628-C-T. GRCh37 (hg19) VCF-style: chr10-69926385-C-T.
Other names: p.Pro645=; c.1935C>T, p.Pro645= (NM_001256267.2); c.1053C>T, p.Pro351= (NM_001256268.2).
Identifiers: ClinVar variation 31805 (VCV000031805.66), dbSNP rs71535754, ClinGen allele CA215307.

ClinVar aggregate classification (germline): Benign/Likely benign. Review status: criteria provided, multiple submitters, no conflicts (2 of 4 stars). 13 submissions from 13 submitters: Benign (1); Likely benign (7). 5 of the submissions do not count toward it. Last evaluated 2026-01-28.

Conditions:
Cardiovascular phenotype. Identifiers: MedGen CN230736.
Dilated cardiomyopathy 1KK (CMD1KK). Identifiers: Orphanet 154, Orphanet 75249, MedGen C3714995, MONDO:0014100, OMIM 615248.

Allele frequency attached by ClinVar (database versions not stated): TOPMed 0.00045; 1000 Genomes Project 30x 0.00047; ESP Exome Variant Server 0.00054; gnomAD 0.00056; gnomAD exomes 0.00057 and 0.00062; 1000 Genomes Project 0.00060; ExAC 0.00074.

Submissions (13):

Labcorp Genetics (formerly Invitae), Labcorp
Classification: Benign for Dilated cardiomyopathy 1KK. Last evaluated: 2026-01-28. Review status: criteria provided, single submitter. Criteria: Invitae Variant Classification Sherloc (09022015). Collection method: clinical testing. Allele origin: germline.

Mayo Clinic Laboratories, Mayo Clinic
Classification: Likely benign. Last evaluated: 2025-07-03. Review status: criteria provided, single submitter. Criteria: ACMG Guidelines, 2015. Collection method: clinical testing. Allele origin: germline. Observed: 5 variant alleles.
Comment: BP4, BP7

Blueprint Genetics
Classification: Likely benign. Last evaluated: 2024-10-23. Review status: criteria provided, single submitter. Criteria: ACMG Guidelines, 2015. Collection method: clinical testing. Allele origin: germline.

CeGaT Center for Human Genetics Tuebingen
Classification: Likely benign. Last evaluated: 2023-02-01. Review status: criteria provided, single submitter. Criteria: CeGaT Center For Human Genetics Tuebingen Variant Classification Criteria Version 2. Collection method: clinical testing. Allele origin: germline. Affected: yes. Observed: 2 variant alleles.
Comment: MYPN: BP4, BP7

GeneDx
Classification: Likely benign. Last evaluated: 2021-04-13. Review status: criteria provided, single submitter. Criteria: GeneDx Variant Classification Process June 2021. Collection method: clinical testing. Allele origin: germline. Affected: yes.

Ambry Genetics
Classification: Likely benign for Cardiovascular phenotype. Last evaluated: 2017-10-02. Review status: criteria provided, single submitter. Criteria: Ambry Variant Classification Scheme 2023. Collection method: clinical testing. Allele origin: germline.

Laboratory for Molecular Medicine, Mass General Brigham Personalized Medicine
Classification: Likely benign. Last evaluated: 2015-10-20. Review status: criteria provided, single submitter. Criteria: LMM Criteria. Collection method: clinical testing. Allele origin: germline. Observed: 1 variant allele.
Comment: p.Pro645Pro in exon 11 of MYPN: This variant is not expected to have clinical si gnificance because it does not alter an amino acid residue and is not located wi thin the splice consensus sequence. It has been identified in 0.1% (78/65720) of European chromosomes by the Exome Aggregation Consortium (ExAC; dbSNP rs71535754).

Clinical Genetics DNA and cytogenetics Diagnostics Lab, Erasmus MC, Erasmus Medical Center
Classification: Likely benign for Dilated cardiomyopathy 1KK. Last evaluated: 2015-09-21. Review status: criteria provided, single submitter. Criteria: ACGS Guidelines, 2013. Collection method: clinical testing. Allele origin: germline. Affected: yes. Study: VKGL Data-share Consensus.

Leiden Muscular Dystrophy (MYPN)
No classification provided. Last evaluated: 2012-04-27. Review status: no classification provided. Collection method: curation. Allele origin: germline. Not counted in ClinVar's aggregate classification.

Clinical Genetics, Academic Medical Center
Classification: Benign. Review status: no assertion criteria provided. Collection method: clinical testing. Allele origin: germline. Affected: yes. Study: VKGL Data-share Consensus. Not counted in ClinVar's aggregate classification.

Diagnostic Laboratory, Department of Genetics, University Medical Center Groningen
Classification: Likely benign for Dilated cardiomyopathy 1KK. Review status: no assertion criteria provided. Collection method: clinical testing. Allele origin: germline. Affected: yes. Study: VKGL Data-share Consensus. Not counted in ClinVar's aggregate classification.

Genome Diagnostics Laboratory, University Medical Center Utrecht
Classification: Benign. Review status: no assertion criteria provided. Collection method: clinical testing. Allele origin: germline. Affected: yes. Study: VKGL Data-share Consensus. Not counted in ClinVar's aggregate classification.

Joint Genome Diagnostic Labs from Nijmegen and Maastricht, Radboudumc and MUMC+
Classification: Benign. Review status: no assertion criteria provided. Collection method: clinical testing. Allele origin: germline. Affected: yes. Study: VKGL Data-share Consensus. Not counted in ClinVar's aggregate classification.